The following is an entry in ClinVar:

ClinVar aggregate classification (germline): Uncertain significance (1 of 4 stars; one submission).

Submission:

CeGaT Center for Human Genetics Tuebingen
Classification: Uncertain significance. Last evaluated: 2026-03-01. Review status: criteria provided, single submitter. Criteria: CeGaT Center For Human Genetics Tuebingen Variant Classification Criteria Version 2. Collection method: clinical testing. Allele origin: germline. Affected: yes. Observed: 1 variant allele.
Comment: POU4F3: PM2

NM_002700.3(POU4F3):c.778C>G (p.Arg260Gly)

Genes: POU4F3 (POU class 4 homeobox 3; plus strand), RBM27-POU4F3 (RBM27-POU4F3 readthrough; plus strand). Cytogenetic location: 5q32.
Variant type: single nucleotide variant.
Coding change: c.778C>G on transcript NM_002700.3 (MANE Select); coding-DNA position 778, C replaced by G.
Protein change: p.Arg260Gly; replaces arginine 260 with glycine.
Molecular consequence: missense variant. On other transcripts: 3 prime UTR variant (1).
Genome position (GRCh38, 1-based): chr5:146,340,205, C>G. VCF-style: chr5-146340205-C-G. GRCh37 (hg19) VCF-style: chr5-145719768-C-G.
Other names: c.*647C>G (NM_001414499.1); short protein forms R260G.
Identifiers: ClinVar variation 4823596 (VCV004823596.4).